The following is an entry in ClinVar:

NM_001365999.1(SZT2):c.5189C>T (p.Ser1730Phe)

Gene: SZT2 (SZT2 subunit of KICSTOR complex; plus strand). Cytogenetic location: 1p34.2.
Variant type: single nucleotide variant.
Coding change: c.5189C>T on transcript NM_001365999.1 (MANE Select); coding-DNA position 5189, C replaced by T.
Protein change: p.Ser1730Phe; replaces serine 1730 with phenylalanine.
Molecular consequence: missense variant.
Genome position (GRCh38, 1-based): chr1:43,431,816, C>T. VCF-style: chr1-43431816-C-T. GRCh37 (hg19) VCF-style: chr1-43897487-C-T.
Other names: c.5018C>T, p.Ser1673Phe (NM_015284.4); short protein forms S1673F, S1730F.
Identifiers: ClinVar variation 1311917 (VCV001311917.2), dbSNP rs767607920, ClinGen allele CA809511.

ClinVar aggregate classification (germline): Uncertain significance (1 of 4 stars; one submission).

Allele frequency attached by ClinVar (database versions not stated): gnomAD 0.00001; TOPMed 0.00002; ExAC 0.00004; gnomAD exomes 0.00004.
gnomAD v4.1: 6 of 1,614,122 alleles (0.00037%); highest among the groups gnomAD compares: East Asian, 0.011%; no homozygotes.

Submission:

GeneDx
Classification: Uncertain significance. Last evaluated: 2020-01-16. Review status: criteria provided, single submitter. Criteria: GeneDx Variant Classification Process June 2021. Collection method: clinical testing. Allele origin: germline. Affected: yes.
Comment: In silico analysis, which includes protein predictors and evolutionary conservation, supports a deleterious effect; Has not been previously published as pathogenic or benign to our knowledge